The following is an entry in ClinVar:

ClinVar aggregate classification (germline): Uncertain significance (1 of 4 stars; one submission).

Conditions:
Retinoblastoma (RB1). Also called: RETINOBLASTOMA, SOMATIC. Identifiers: Orphanet 790, MedGen C0035335, MeSH D012175, MONDO:0008380, OMIM 180200, HP:0009919. Disease mechanism: loss of function. Inheritance: Both sporadic and heritable forms are tested..

Submission:

Labcorp Genetics (formerly Invitae), Labcorp
Classification: Uncertain significance for Retinoblastoma. Last evaluated: 2024-03-16. Review status: criteria provided, single submitter. Criteria: Invitae Variant Classification Sherloc (09022015). Collection method: clinical testing. Allele origin: germline.
Comment: This sequence change replaces leucine, which is neutral and non-polar, with phenylalanine, which is neutral and non-polar, at codon 683 of the RB1 protein (p.Leu683Phe). This variant is not present in population databases (gnomAD no frequency). This variant has not been reported in the literature in individuals affected with RB1-related conditions. Advanced modeling of protein sequence and biophysical properties (such as structural, functional, and spatial information, amino acid conservation, physicochemical variation, residue mobility, and thermodynamic stability) performed at Invitae indicates that this missense variant is expected to disrupt RB1 protein function with a positive predictive value of 80%. In summary, the available evidence is currently insufficient to determine the role of this variant in disease. Therefore, it has been classified as a Variant of Uncertain Significance.

NM_000321.3(RB1):c.2047C>T (p.Leu683Phe)

Gene: RB1 (RB transcriptional corepressor 1; plus strand). Cytogenetic location: 13q14.2.
Variant type: single nucleotide variant.
Coding change: c.2047C>T on transcript NM_000321.3 (MANE Select); coding-DNA position 2047, C replaced by T.
Protein change: p.Leu683Phe; replaces leucine 683 with phenylalanine.
Molecular consequence: missense variant.
Genome position (GRCh38, 1-based): chr13:48,459,774, C>T. VCF-style: chr13-48459774-C-T. GRCh37 (hg19) VCF-style: chr13-49033910-C-T.
Other names: c.2047C>T, p.Leu683Phe (NM_001407165.1); short protein forms L683F.
Identifiers: ClinVar variation 3666016 (VCV003666016.2).